The following is an entry in ClinVar:

NM_001009944.3(PKD1):c.12825C>T (p.Ala4275=)

Gene: PKD1 (polycystin 1, transient receptor potential channel interacting; minus strand). Cytogenetic location: 16p13.3.
Variant type: single nucleotide variant.
Coding change: c.12825C>T on transcript NM_001009944.3 (MANE Select); coding-DNA position 12825, C replaced by T.
Protein change: p.Ala4275=; no amino-acid change (alanine 4275 retained).
Molecular consequence: synonymous variant.
Genome position (GRCh38, 1-based): chr16:2,089,814, G>A on the plus strand (C>T on the coding strand, the complement: PKD1 is on the minus strand). VCF-style: chr16-2089814-G-A. GRCh37 (hg19) VCF-style: chr16-2139815-G-A.
Other names: c.12822C>T, p.Ala4274= (NM_000296.4).
Identifiers: ClinVar variation 2645974 (VCV002645974.24), dbSNP rs1014237110, ClinGen allele CA276762944.

ClinVar aggregate classification (germline): Likely benign (1 of 4 stars; one submission).

Allele frequency attached by ClinVar (database versions not stated): gnomAD exomes below 0.00001; gnomAD 0.00001.
gnomAD v4.1: 6 of 1,601,244 alleles (0.00037%); highest among the groups gnomAD compares: East Asian, 0.0022%; no homozygotes.

Submission:

CeGaT Center for Human Genetics Tuebingen
Classification: Likely benign. Last evaluated: 2022-04-01. Review status: criteria provided, single submitter. Criteria: CeGaT Center For Human Genetics Tuebingen Variant Classification Criteria Version 2. Collection method: clinical testing. Allele origin: germline. Affected: yes. Observed: 1 variant allele.
Comment: PKD1: BP4, BP7